The following is an entry in ClinVar:

ClinVar aggregate classification (germline): Uncertain significance (1 of 4 stars; one submission).

Conditions:
TTN-related disorder. Also called: TTN-related disorders; TTN-related condition; TTN-related disease.

gnomAD v4.1: 11 of 1,613,536 alleles (0.00068%); highest among the groups gnomAD compares: Admixed American, 0.0017%; no homozygotes.

Submission:

PreventionGenetics, part of Exact Sciences
Classification: Uncertain significance for TTN-related condition. Last evaluated: 2025-08-28. Review status: criteria provided, single submitter. Criteria: ACMG Guidelines, 2015. Collection method: clinical testing. Allele origin: germline.
Comment: The TTN c.17831G>T variant is predicted to result in the amino acid substitution p.Gly5944Val. To our knowledge, this variant has not been reported in the literature. This variant is reported in 0.0029% of alleles in individuals of Latino descent in gnomAD. At this time, the clinical significance of this variant is uncertain due to the absence of conclusive functional and genetic evidence.

NM_001267550.2(TTN):c.17831G>T (p.Gly5944Val)

Gene: TTN (titin; minus strand). Cytogenetic location: 2q31.2.
Variant type: single nucleotide variant.
Coding change: c.17831G>T on transcript NM_001267550.2 (MANE Select); coding-DNA position 17831, G replaced by T.
Protein change: p.Gly5944Val; replaces glycine 5944 with valine.
Molecular consequence: missense variant. On other transcripts: intron variant (3).
Genome position (GRCh38, 1-based): chr2:178,730,702, C>A on the plus strand (G>T on the coding strand, the complement: TTN is on the minus strand). VCF-style: chr2-178730702-C-A. GRCh37 (hg19) VCF-style: chr2-179595429-C-A.
Other names: c.16880G>T, p.Gly5627Val (NM_001256850.1); c.14099G>T, p.Gly4700Val (NM_133378.4); c.13282+7380G>T (NM_003319.4); c.13858+7380G>T (NM_133437.4); c.13657+7380G>T (NM_133432.3); short protein forms G5627V, G4700V, G5944V.
Identifiers: ClinVar variation 4980899 (VCV004980899.1).